The following is an entry in ClinVar:

NM_000297.4(PKD2):c.973C>G (p.Arg325Gly)

Gene: PKD2 (polycystin 2, transient receptor potential cation channel; plus strand). Cytogenetic location: 4q22.1.
Variant type: single nucleotide variant.
Coding change: c.973C>G on transcript NM_000297.4 (MANE Select); coding-DNA position 973, C replaced by G.
Protein change: p.Arg325Gly; replaces arginine 325 with glycine.
Molecular consequence: missense variant. On other transcripts: non-coding transcript variant (1).
Genome position (GRCh38, 1-based): chr4:88,038,380, C>G. VCF-style: chr4-88038380-C-G. GRCh37 (hg19) VCF-style: chr4-88959532-C-G.
Other names: short protein forms R325G.
Identifiers: ClinVar variation 3030713 (VCV003030713.2), dbSNP rs1060503526, ClinGen allele CA357632830.

ClinVar aggregate classification (germline): Uncertain significance (0 of 4 stars; one submission).

Conditions:
PKD2-related disorder. Also called: PKD2-related condition.

Submission:

PreventionGenetics, part of Exact Sciences
Classification: Uncertain significance for PKD2-related condition. Last evaluated: 2024-01-04. Review status: no assertion criteria provided. Collection method: clinical testing. Allele origin: germline.
Comment: The PKD2 c.973C>G variant is predicted to result in the amino acid substitution p.Arg325Gly. To our knowledge, this variant has not been reported in the literature or in a large population database, indicating this variant is rare. At this time, the clinical significance of this variant is uncertain due to the absence of conclusive functional and genetic evidence.